The following is an entry in ClinVar:

ClinVar aggregate classification (germline): Pathogenic (1 of 4 stars; one submission).

Submission:

Labcorp Genetics (formerly Invitae), Labcorp
Classification: Pathogenic. Last evaluated: 2026-01-21. Review status: criteria provided, single submitter. Criteria: Invitae Variant Classification Sherloc (09022015). Collection method: clinical testing. Allele origin: germline.
Comment: This sequence change creates a premature translational stop signal (p.Trp272*) in the EIF2B1 gene. While this is not anticipated to result in nonsense mediated decay, it is expected to disrupt the last 34 amino acid(s) of the EIF2B1 protein. This variant is not present in population databases (gnomAD no frequency). This variant has not been reported in the literature in individuals affected with EIF2B1-related conditions. Algorithms developed to predict the effect of sequence changes on RNA splicing suggest that this variant may create or strengthen a splice site. This variant disrupts a region of the EIF2B1 protein in which other variant(s) (p.Tyr275Cys) have been determined to be pathogenic (PMID: 18263758, 26285592, 32865661, 33334879, 34663487). This suggests that this is a clinically significant region of the protein, and that variants that disrupt it are likely to be disease-causing. For these reasons, this variant has been classified as Pathogenic.

Literature cited by the submitters: PubMed 18263758; PubMed 26285592; PubMed 32865661; PubMed 33334879; PubMed 34663487.

NM_001414.4(EIF2B1):c.816G>A (p.Trp272Ter)

Genes: EIF2B1 (eukaryotic translation initiation factor 2B subunit alpha; minus strand), LOC126861664 (CDK7 strongly-dependent group 2 enhancer GRCh37_chr12:124105924-124107123; plus strand). Cytogenetic location: 12q24.31.
Variant type: single nucleotide variant.
Coding change: c.816G>A on transcript NM_001414.4 (MANE Select); coding-DNA position 816, G replaced by A.
Protein change: p.Trp272Ter; replaces tryptophan 272 with a stop codon.
Molecular consequence: nonsense.
Genome position (GRCh38, 1-based): chr12:123,621,858, C>T on the plus strand (G>A on the coding strand, the complement: EIF2B1 is on the minus strand). VCF-style: chr12-123621858-C-T. GRCh37 (hg19) VCF-style: chr12-124106405-C-T.
Other names: short protein forms W272*.
Identifiers: ClinVar variation 4700314 (VCV004700314.1).